The following is an entry in ClinVar:

ClinVar aggregate classification (germline): Pathogenic (1 of 4 stars; one submission).

Conditions:
Charlevoix-Saguenay spastic ataxia (SACS). Also called: AUTOSOMAL RECESSIVE SPASTIC ATAXIA OF CHARLEVOIX-SAGUENAY; Spastic ataxia of Charlevoix-Saguenay; SPASTIC ATAXIA 6, AUTOSOMAL RECESSIVE. Identifiers: Orphanet 98, MedGen C1849140, MONDO:0010041, OMIM 270550.

Submission:

Myriad Genetics, Inc.
Classification: Pathogenic for Charlevoix-Saguenay spastic ataxia. Last evaluated: 2025-01-29. Review status: criteria provided, single submitter. Criteria: Myriad Autosomal Dominant, Autosomal Recessive and X-Linked Classification Criteria (2023). Collection method: clinical testing. Allele origin: unknown.
Comment: NM_014363.4(SACS):c.145C>T(Q49*) is expected to be pathogenic in the context of autosomal recessive spastic ataxia of Charlevoix-Saguenay. This variant is predicted to lead to an abnormal or absent protein product due to the creation of a premature termination codon in SACS, a gene where loss-of-function variants are known to be pathogenic. Please note: this variant was assessed in the context of healthy population screening.

NM_014363.6(SACS):c.145C>T (p.Gln49Ter)

Genes: SACS (sacsin molecular chaperone; minus strand), LOC130009366 (ATAC-STARR-seq lymphoblastoid silent region 5172; plus strand). Cytogenetic location: 13q12.12.
Variant type: single nucleotide variant.
Coding change: c.145C>T on transcript NM_014363.6 (MANE Select); coding-DNA position 145, C replaced by T.
Protein change: p.Gln49Ter; replaces glutamine 49 with a stop codon.
Molecular consequence: nonsense. On other transcripts: 5 prime UTR variant (1).
Genome position (GRCh38, 1-based): chr13:23,375,145, G>A on the plus strand (C>T on the coding strand, the complement: SACS is on the minus strand). VCF-style: chr13-23375145-G-A. GRCh37 (hg19) VCF-style: chr13-23949284-G-A.
Other names: c.-209C>T (NM_001278055.2); c.145C>T, p.Gln49Ter (NM_001437336.1); short protein forms Q49*.
Identifiers: ClinVar variation 5014036 (VCV005014036.1).